The following is an entry in ClinVar:

ClinVar aggregate classification (germline): Conflicting classifications of pathogenicity. Review status: criteria provided, conflicting classifications (1 of 4 stars). 5 submissions from 5 submitters: Pathogenic (1); Likely pathogenic (1); Uncertain significance (1). 2 of the submissions do not count toward it. Last evaluated 2026-04-02.

Conditions:
Beck-Fahrner syndrome (BEFAHRS). Identifiers: Orphanet 684216, MedGen C5394097, MONDO:0032922, OMIM 618798.
Inborn genetic diseases. Identifiers: MedGen C0950123, MeSH D030342.
TET3 deficiency.

Submissions (5):

Ambry Genetics
Classification: Uncertain significance for Inborn genetic diseases. Last evaluated: 2026-04-02. Review status: criteria provided, single submitter. Criteria: Ambry Variant Classification Scheme 2023. Collection method: clinical testing. Allele origin: germline.
Comment: The c.2147C>T (p.T716M) alteration is located in exon 2 (coding exon 2) of the TET3 gene. This alteration results from a C to T substitution at nucleotide position 2147, causing the threonine (T) at amino acid position 716 to be replaced by a methionine (M). This variant was not reported in population-based cohorts in the Genome Aggregation Database (gnomAD). This variant was determined to be de novo in at least one individual with features consistent with Beck-Fahrner syndrome (Beck, 2020). This variant is also known as c.2552C>T (p.T851M) in the literature. This amino acid position is well conserved in available vertebrate species. This missense alteration is located in a region that has a low rate of benign missense variation (Lek, 2016; Firth, 2009). The in silico prediction for this alteration is inconclusive. Based on insufficient or conflicting evidence, the clinical significance of this alteration remains unclear.

GeneDx
Classification: Pathogenic. Last evaluated: 2025-04-08. Review status: criteria provided, single submitter. Criteria: GeneDx Variant Classification Process June 2021. Collection method: clinical testing. Allele origin: germline. Affected: yes.
Comment: Not observed at significant frequency in large population cohorts (gnomAD); In silico analysis supports that this missense variant has a deleterious effect on protein structure/function; This variant is associated with the following publications: (PMID: 31928709, 27535533, 39334883, 34719681)

Institute of Human Genetics, University of Leipzig Medical Center
Classification: Likely pathogenic for Beck-Fahrner syndrome. Last evaluated: 2022-09-06. Review status: criteria provided, single submitter. Criteria: ACMG Guidelines, 2015. Collection method: clinical testing. Allele origin: de novo. Affected: yes.
Comment: This variant was identified as de novo (maternity and paternity confirmed)._x000D_ Criteria applied: PS2, PS4_MOD, PM2_SUP, PP3

OMIM
Classification: Pathogenic for BECK-FAHRNER SYNDROME, AUTOSOMAL DOMINANT. Last evaluated: 2020-06-16. Review status: no assertion criteria provided. Collection method: literature only. Allele origin: germline. Not counted in ClinVar's aggregate classification.

University of Washington Center for Mendelian Genomics, University of Washington
Classification: Likely pathogenic for TET3 deficiency. Review status: no assertion criteria provided. Collection method: research. Allele origin: de novo. Affected: yes. Not counted in ClinVar's aggregate classification.

Literature cited by the submitters: PubMed 31928709 (cited by 3 submitters).

NM_001287491.2(TET3):c.2552C>T (p.Thr851Met)

Gene: TET3 (tet methylcytosine dioxygenase 3; plus strand). Cytogenetic location: 2p13.1.
Variant type: single nucleotide variant.
Coding change: c.2552C>T on transcript NM_001287491.2 (MANE Select); coding-DNA position 2552, C replaced by T.
Protein change: p.Thr851Met; replaces threonine 851 with methionine.
Molecular consequence: missense variant.
Genome position (GRCh38, 1-based): chr2:74,073,606, C>T. VCF-style: chr2-74073606-C-T. GRCh37 (hg19) VCF-style: chr2-74300733-C-T.
Other names: c.2147C>T (NM_144993.1); c.2273C>T, p.Thr758Met (NM_001366022.1); short protein forms T851M, T758M.
Identifiers: ClinVar variation 816635 (VCV000816635.9), dbSNP rs1573856970, ClinGen allele CA347308271.